The following is an entry in ClinVar:

NM_001042492.3(NF1):c.6007-7C>T

Gene: NF1 (neurofibromin 1; plus strand). Cytogenetic location: 17q11.2.
Variant type: single nucleotide variant.
Coding change: c.6007-7C>T on transcript NM_001042492.3 (MANE Select); 7 bases into the intron before coding-DNA position 6007, C replaced by T.
Molecular consequence: intron variant.
Genome position (GRCh38, 1-based): chr17:31,336,326, C>T. VCF-style: chr17-31336326-C-T. GRCh37 (hg19) VCF-style: chr17-29663344-C-T.
Other names: c.5944-7C>T (NM_000267.4).
Identifiers: ClinVar variation 1091814 (VCV001091814.8), dbSNP rs2151553126, ClinGen allele CA2499224180.

ClinVar aggregate classification (germline): Likely benign. Review status: criteria provided, multiple submitters, no conflicts (2 of 4 stars). 2 submissions from 2 submitters: Likely benign (2). Last evaluated 2026-05-13.

Conditions:
Neurofibromatosis, type 1 (NF1). Also called: Peripheral type neurofibromatosis; NEUROFIBROMATOSIS, TYPE I, SOMATIC; VON RECKLINGHAUSEN DISEASE; Neurofibromatosis, type I. Identifiers: Orphanet 636, MedGen C0027831, MONDO:0018975, OMIM 162200. Disease mechanism: loss of function.

gnomAD v4.1: 1 of 1,613,658 alleles (0.000062%); highest among the groups gnomAD compares: Middle Eastern, 0.017%; no homozygotes.

Submissions (2):

Myriad Genetics, Inc.
Classification: Likely benign for Neurofibromatosis, type 1. Last evaluated: 2026-05-13. Review status: criteria provided, single submitter. Criteria: Myriad Autosomal Dominant, Autosomal Recessive and X-Linked Classification Criteria (2023). Collection method: clinical testing. Allele origin: unknown.
Comment: This variant is considered likely benign. This variant is intronic and is not expected to impact mRNA splicing.

Labcorp Genetics (formerly Invitae), Labcorp
Classification: Likely benign for Neurofibromatosis, type 1. Last evaluated: 2026-01-26. Review status: criteria provided, single submitter. Criteria: Invitae Variant Classification Sherloc (09022015). Collection method: clinical testing. Allele origin: germline.